The following is an entry in ClinVar:

ClinVar aggregate classification (germline): Uncertain significance. Review status: criteria provided, multiple submitters, no conflicts (2 of 4 stars). 2 submissions from 2 submitters: Uncertain significance (2). Last evaluated 2020-08-11.

Allele frequency attached by ClinVar (database versions not stated): gnomAD exomes 0.00001; TOPMed 0.00001; gnomAD 0.00002.
gnomAD v4.1: 17 of 1,613,904 alleles (0.0011%); highest among the groups gnomAD compares: African/African-American, 0.0027%; no homozygotes.

Submissions (2):

Labcorp Genetics (formerly Invitae), Labcorp
Classification: Uncertain significance. Last evaluated: 2020-08-11. Review status: criteria provided, single submitter. Criteria: Invitae Variant Classification Sherloc (09022015). Collection method: clinical testing. Allele origin: germline.
Comment: This variant is not present in population databases (ExAC no frequency). In summary, the available evidence is currently insufficient to determine the role of this variant in disease. Therefore, it has been classified as a Variant of Uncertain Significance. Algorithms developed to predict the effect of missense changes on protein structure and function are either unavailable or do not agree on the potential impact of this missense change (SIFT: "Tolerated"; PolyPhen-2: "Possibly Damaging"; Align-GVGD: "Class C0"). This variant has not been reported in the literature in individuals with P3H2-related conditions. This sequence change replaces histidine with aspartic acid at codon 181 of the P3H2 protein (p.His181Asp). The histidine residue is highly conserved and there is a moderate physicochemical difference between histidine and aspartic acid.

Blueprint Genetics
Classification: Uncertain significance. Last evaluated: 2020-01-17. Review status: criteria provided, single submitter. Criteria: ACMG Guidelines, 2015. Collection method: clinical testing. Allele origin: germline.

NM_018192.4(P3H2):c.541C>G (p.His181Asp)

Gene: P3H2 (prolyl 3-hydroxylase 2; minus strand). Cytogenetic location: 3q28.
Variant type: single nucleotide variant.
Coding change: c.541C>G on transcript NM_018192.4 (MANE Select); coding-DNA position 541, C replaced by G.
Protein change: p.His181Asp; replaces histidine 181 with aspartic acid.
Molecular consequence: missense variant. On other transcripts: 5 prime UTR variant (1).
Genome position (GRCh38, 1-based): chr3:189,995,382, G>C on the plus strand (C>G on the coding strand, the complement: P3H2 is on the minus strand). VCF-style: chr3-189995382-G-C. GRCh37 (hg19) VCF-style: chr3-189713171-G-C.
Other names: c.-3C>G (NM_001134418.2); short protein forms H181D.
Identifiers: ClinVar variation 1001585 (VCV001001585.6), dbSNP rs1362857072, ClinGen allele CA355759890.